The following is an entry in ClinVar:

ClinVar aggregate classification (germline): Uncertain significance. Review status: criteria provided, multiple submitters, no conflicts (2 of 4 stars). 7 submissions from 7 submitters: Uncertain significance (7). Last evaluated 2026-04-02.

Conditions:
Dilated cardiomyopathy 1G (CMD1G). Identifiers: Orphanet 154, MedGen C1858763, MONDO:0011400, OMIM 604145.
Early-onset myopathy with fatal cardiomyopathy (CMYO5). Also called: Salih Myopathy; CONGENITAL MYOPATHY 5 WITH CARDIOMYOPATHY. Identifiers: Orphanet 289377, MedGen C2673677, MONDO:0012714, OMIM 611705. Disease mechanism: loss of function.
Autosomal recessive limb-girdle muscular dystrophy type 2J (LGMDR10). Also called: Limb-girdle muscular dystrophy, type 2J; MUSCULAR DYSTROPHY, LIMB-GIRDLE, AUTOSOMAL RECESSIVE 10. Identifiers: Orphanet 140922, MedGen C1837342, MONDO:0012127, OMIM 608807.
Myopathy, myofibrillar, 9, with early respiratory failure (MFM9). Also called: Hereditary myopathy with early respiratory failure; EDSTROM MYOPATHY; Myopathy, distal, with early respiratory failure, autosomal dominant; MYOPATHY, PROXIMAL, WITH EARLY RESPIRATORY MUSCLE INVOLVEMENT. Identifiers: Orphanet 178464, Orphanet 34521, MedGen C1863599, MONDO:0011362, OMIM 603689.
Hypertrophic cardiomyopathy 9. Also called: Familial hypertrophic cardiomyopathy 9. Identifiers: MedGen C1861065, MONDO:0013412, OMIM 613765.
Tibial muscular dystrophy (TMD). Also called: UDD MYOPATHY; Tibial muscular dystrophy, tardive; Udd Distal Myopathy – Tibial Muscular Dystrophy. Identifiers: Orphanet 609, MedGen C1838244, MONDO:0010870, OMIM 600334.
Primary dilated cardiomyopathy (DCM). Also called: Dilated Cardiomyopathy. Identifiers: Orphanet 217604, MedGen C0007193, MeSH D002311, MONDO:0005021, HP:0001644. Inheritance: Various modes of inheritance.

Allele frequency attached by ClinVar (database versions not stated): gnomAD 0.00001 and 0.00002; gnomAD exomes 0.00002; TOPMed 0.00002; ExAC 0.00002.
gnomAD v4.1: 29 of 1,613,482 alleles (0.0018%); highest among the groups gnomAD compares: Non-Finnish European, 0.0025%; no homozygotes.

Submissions (7):

GeneDx
Classification: Uncertain significance. Last evaluated: 2026-04-02. Review status: criteria provided, single submitter. Criteria: GeneDx Variant Classification Process June 2021. Collection method: clinical testing. Allele origin: germline.
Comment: Not observed at significant frequency in large population cohorts (gnomAD); Missense variant in a gene in which most reported pathogenic variants are truncating/loss of function; Has not been previously published as pathogenic or benign to our knowledge

Women's Health and Genetics/Laboratory Corporation of America, LabCorp
Classification: Uncertain significance. Last evaluated: 2025-05-27. Review status: criteria provided, single submitter. Criteria: LabCorp Variant Classification Summary - May 2015. Collection method: clinical testing. Allele origin: germline.
Comment: Variant summary: TTN c.73070G>A (p.Arg24357Lys) results in a conservative amino acid change in the encoded protein sequence. Algorithms developed to predict the effect of missense changes on protein structure and function are either unavailable or do not agree on the potential impact of this missense change. The variant allele was found at a frequency of 2e-05 in 248604 control chromosomes (gnomAD). The available data on variant occurrences in the general population are insufficient to allow any conclusion about variant significance. To our knowledge, no occurrence of c.73070G>A in individuals affected with Autosomal Recessive Titinopathy and no experimental evidence demonstrating its impact on protein function have been reported. ClinVar contains an entry for this variant (Variation ID: 505123). Based on the evidence outlined above, the variant was classified as uncertain significance.

Blueprint Genetics
Classification: Uncertain significance. Last evaluated: 2024-04-02. Review status: criteria provided, single submitter. Criteria: ACMG Guidelines, 2015. Collection method: clinical testing. Allele origin: germline.

Mayo Clinic Laboratories, Mayo Clinic
Classification: Uncertain significance. Last evaluated: 2023-04-13. Review status: criteria provided, single submitter. Criteria: ACMG Guidelines, 2015. Collection method: clinical testing. Allele origin: germline. Observed: 1 variant allele.

Fulgent Genetics
Classification: Uncertain significance for Tibial muscular dystrophy; Myopathy, myofibrillar, 9, with early respiratory failure; Dilated cardiomyopathy 1G; Autosomal recessive limb-girdle muscular dystrophy type 2J; Early-onset myopathy with fatal cardiomyopathy; Hypertrophic cardiomyopathy 9. Last evaluated: 2021-07-25. Review status: criteria provided, single submitter. Criteria: ACMG Guidelines, 2015. Collection method: clinical testing. Allele origin: unknown.

Cambridge Genomics Laboratory, East Genomic Laboratory Hub, NHS Genomic Medicine Service
Classification: Uncertain significance for Primary dilated cardiomyopathy. Last evaluated: 2020-01-16. Review status: criteria provided, single submitter. Criteria: ACGS Best Practice Guidelines for Variant Classification in Rare Disease 2020. Collection method: clinical testing. Allele origin: germline. Affected: yes. Observed: 1 variant allele.

Laboratory for Molecular Medicine, Mass General Brigham Personalized Medicine
Classification: Uncertain significance. Last evaluated: 2016-06-16. Review status: criteria provided, single submitter. Criteria: LMM Criteria. Collection method: clinical testing. Allele origin: germline. Observed: 1 variant allele.
Comment: The p.Arg24357Lys variant in TTN has not been previously reported in individuals with cardiomyopathy, but has been identified in 2/66698 European chromosomes by the Exome Aggregation Consortium (ExAC; dbSNP r s748215561). Computational prediction tools and conservation analysis do not pro vide strong support for or against an impact to the protein. In summary, the cli nical significance of the p.Arg24357Lys variant is uncertain.

NM_001267550.2(TTN):c.80774G>A (p.Arg26925Lys)

Genes: TTN (titin; minus strand), TTN-AS1 (TTN antisense RNA 1; plus strand). Cytogenetic location: 2q31.2.
Variant type: single nucleotide variant.
Coding change: c.80774G>A on transcript NM_001267550.2 (MANE Select); coding-DNA position 80774, G replaced by A.
Protein change: p.Arg26925Lys; replaces arginine 26925 with lysine.
Molecular consequence: missense variant.
Genome position (GRCh38, 1-based): chr2:178,565,358, C>T on the plus strand (G>A on the coding strand, the complement: TTN is on the minus strand). VCF-style: chr2-178565358-C-T. GRCh37 (hg19) VCF-style: chr2-179430085-C-T.
Other names: c.75851G>A, p.Arg25284Lys (NM_001256850.1); c.53579G>A, p.Arg17860Lys (NM_003319.4); c.53954G>A, p.Arg17985Lys (NM_133432.3); c.54155G>A, p.Arg18052Lys (NM_133437.4); c.73070G>A, p.Arg24357Lys (NM_133378.4); c.80774G>A (NM_001267550.1); short protein forms R24357K, R26925K, R17985K, R17860K, R18052K, R25284K.
Identifiers: ClinVar variation 505123 (VCV000505123.11), dbSNP rs748215561, ClinGen allele CA1989307.